The following is an entry in ClinVar:

ClinVar aggregate classification (germline): Uncertain significance (1 of 4 stars; one submission).

Conditions:
Hereditary cancer-predisposing syndrome. Also called: Tumor predisposition; Neoplastic Syndromes, Hereditary; Hereditary Cancer Syndrome; Hereditary neoplastic syndrome. Identifiers: Orphanet 140162, MedGen C0027672, MeSH D009386, MONDO:0015356.

Submission:

Ambry Genetics
Classification: Uncertain significance for Hereditary cancer-predisposing syndrome. Last evaluated: 2024-08-29. Review status: criteria provided, single submitter. Criteria: Ambry Variant Classification Scheme 2023. Collection method: clinical testing. Allele origin: germline.
Comment: The p.D245G variant (also known as c.734A>G), located in coding exon 9 of the BRCA1 gene, results from an A to G substitution at nucleotide position 734. The aspartic acid at codon 245 is replaced by glycine, an amino acid with similar properties. This amino acid position is well conserved in available vertebrate species. In addition, this alteration is predicted to be deleterious by in silico analysis. Based on the available evidence, the clinical significance of this variant remains unclear.

NM_007294.4(BRCA1):c.734A>G (p.Asp245Gly)

Gene: BRCA1 (BRCA1 DNA repair associated; minus strand). Cytogenetic location: 17q21.31.
Variant type: single nucleotide variant.
Coding change: c.734A>G on transcript NM_007294.4 (MANE Select); coding-DNA position 734, A replaced by G.
Protein change: p.Asp245Gly; replaces aspartic acid 245 with glycine.
Molecular consequence: missense variant. On other transcripts: 5 prime UTR variant (2), intron variant (13).
Genome position (GRCh38, 1-based): chr17:43,094,797, T>C on the plus strand (A>G on the coding strand, the complement: BRCA1 is on the minus strand). VCF-style: chr17-43094797-T-C. GRCh37 (hg19) VCF-style: chr17-41246814-T-C.
Other names: c.734A>G, p.Asp245Gly (NM_001407979.1, NM_001407980.1, NM_001407981.1 and 53 more transcripts); c.731A>G, p.Asp244Gly (NM_001407985.1, NM_001407986.1, NM_001407984.1 and 38 more transcripts); c.611A>G, p.Asp204Gly (NM_001407680.1, NM_001407681.1, NM_001407682.1 and 34 more transcripts); c.608A>G, p.Asp203Gly (NM_001407685.1, NM_001407686.1, NM_001407687.1 and 20 more transcripts); c.593A>G, p.Asp198Gly (NM_001407692.1, NM_001407694.1, NM_001407695.1 and 43 more transcripts); c.590A>G, p.Asp197Gly (NM_001407740.1, NM_001407741.1, NM_001407742.1 and 26 more transcripts); c.521A>G, p.Asp174Gly (NM_001407853.1, NM_001407894.1, NM_001407895.1 and 12 more transcripts); c.533A>G, p.Asp178Gly (NM_001407862.1, NM_001408474.1, NM_001408476.1); and 20 more; short protein forms D133G, D134G, D177G, D218G, D242G, D244G, D77G, D157G.
Identifiers: ClinVar variation 3481842 (VCV003481842.1).